The following is an entry in ClinVar:

NM_007214.5(SEC63):c.807G>A (p.Thr269=)

Gene: SEC63 (SEC63 protein translocation regulator; minus strand). Cytogenetic location: 6q21.
Variant type: single nucleotide variant.
Coding change: c.807G>A on transcript NM_007214.5 (MANE Select); coding-DNA position 807, G replaced by A.
Protein change: p.Thr269=; no amino-acid change (threonine 269 retained).
Molecular consequence: synonymous variant.
Genome position (GRCh38, 1-based): chr6:107,906,704, C>T on the plus strand (G>A on the coding strand, the complement: SEC63 is on the minus strand). VCF-style: chr6-107906704-C-T. GRCh37 (hg19) VCF-style: chr6-108227908-C-T.
Identifiers: ClinVar variation 354910 (VCV000354910.15), dbSNP rs182467867, ClinGen allele CA3947582.

ClinVar aggregate classification (germline): Benign/Likely benign. Review status: criteria provided, multiple submitters, no conflicts (2 of 4 stars). 4 submissions from 4 submitters: Benign (2); Likely benign (2). Last evaluated 2024-06-03.

Conditions:
Polycystic liver disease 2 (PCLD2). Also called: Polycystic liver disease 2 with or without kidney cysts. Identifiers: Orphanet 2924, MedGen C4310769, MONDO:0014860, OMIM 617004.

Allele frequency attached by ClinVar (database versions not stated): gnomAD exomes 0.00005 and 0.00026; ESP Exome Variant Server 0.00008; gnomAD 0.00009 and 0.00011; TOPMed 0.00013; ExAC 0.00020; 1000 Genomes Project 30x 0.00031; 1000 Genomes Project 0.00040.
gnomAD v4.1: 92 of 1,613,802 alleles (0.0057%); highest among the groups gnomAD compares: East Asian, 0.13%; no homozygotes.

Submissions (4):

Labcorp Genetics (formerly Invitae), Labcorp
Classification: Benign. Last evaluated: 2024-06-03. Review status: criteria provided, single submitter. Criteria: Invitae Variant Classification Sherloc (09022015). Collection method: clinical testing. Allele origin: germline.

Blueprint Genetics
Classification: Likely benign. Last evaluated: 2024-05-06. Review status: criteria provided, single submitter. Criteria: ACMG Guidelines, 2015. Collection method: clinical testing. Allele origin: germline.

Fulgent Genetics
Classification: Likely benign for Polycystic liver disease 2. Last evaluated: 2022-04-26. Review status: criteria provided, single submitter. Criteria: ACMG Guidelines, 2015. Collection method: clinical testing. Allele origin: unknown.

Illumina Laboratory Services, Illumina
Classification: Benign for Polycystic liver disease 2. Last evaluated: 2018-01-12. Review status: criteria provided, single submitter. Criteria: ICSL Variant Classification Criteria 13 December 2019. Collection method: clinical testing. Allele origin: germline.
Comment: This variant was observed in the ICSL laboratory as part of a predisposition screen in an ostensibly healthy population. It had not been previously curated by ICSL or reported in the Human Gene Mutation Database (HGMD: prior to June 1st, 2018), and was therefore a candidate for classification through an automated scoring system. Utilizing variant allele frequency, disease prevalence and penetrance estimates, and inheritance mode, an automated score was calculated to assess if this variant is too frequent to cause the disease. Based on the score and internal cut-off values, a variant classified as benign is not then subjected to further curation. The score for this variant resulted in a classification of benign for this disease.